The following is an entry in ClinVar:

NM_001330260.2(SCN8A):c.5155C>G (p.Pro1719Ala)

Gene: SCN8A (sodium voltage-gated channel alpha subunit 8; plus strand). Cytogenetic location: 12q13.13.
Variant type: single nucleotide variant.
Coding change: c.5155C>G on transcript NM_001330260.2 (MANE Select); coding-DNA position 5155, C replaced by G.
Protein change: p.Pro1719Ala; replaces proline 1719 with alanine.
Molecular consequence: missense variant.
Genome position (GRCh38, 1-based): chr12:51,806,641, C>G. VCF-style: chr12-51806641-C-G. GRCh37 (hg19) VCF-style: chr12-52200425-C-G.
Other names: c.5032C>G, p.Pro1678Ala (NM_001177984.3, NM_001369788.1); c.5155C>G, p.Pro1719Ala (NM_014191.4); short protein forms P1678A, P1719A.
Identifiers: ClinVar variation 859059 (VCV000859059.10), dbSNP rs1938709746, ClinGen allele CA384883967.

ClinVar aggregate classification (germline): Uncertain significance (1 of 4 stars; one submission).

Conditions:
Early-infantile DEE. Also called: Early infantile epileptic encephalopathy; Early infantile epileptic encephalopathy with suppression bursts; Ohtahara syndrome. Identifiers: Orphanet 1934, MedGen C0393706, MONDO:0800491.

Submission:

Labcorp Genetics (formerly Invitae), Labcorp
Classification: Uncertain significance for Early-infantile DEE. Last evaluated: 2024-02-17. Review status: criteria provided, single submitter. Criteria: Invitae Variant Classification Sherloc (09022015). Collection method: clinical testing. Allele origin: germline.
Comment: This sequence change replaces proline, which is neutral and non-polar, with alanine, which is neutral and non-polar, at codon 1719 of the SCN8A protein (p.Pro1719Ala). This variant is not present in population databases (gnomAD no frequency). This variant has not been reported in the literature in individuals affected with SCN8A-related conditions. ClinVar contains an entry for this variant (Variation ID: 859059). Advanced modeling of protein sequence and biophysical properties (such as structural, functional, and spatial information, amino acid conservation, physicochemical variation, residue mobility, and thermodynamic stability) has been performed at Invitae for this missense variant, however the output from this modeling did not meet the statistical confidence thresholds required to predict the impact of this variant on SCN8A protein function. In summary, the available evidence is currently insufficient to determine the role of this variant in disease. Therefore, it has been classified as a Variant of Uncertain Significance.